The following is an entry in ClinVar:

NM_032638.5(GATA2):c.553C>T (p.Pro185Ser)

Gene: GATA2 (GATA binding protein 2; minus strand). Cytogenetic location: 3q21.3.
Variant type: single nucleotide variant.
Coding change: c.553C>T on transcript NM_032638.5 (MANE Select); coding-DNA position 553, C replaced by T.
Protein change: p.Pro185Ser; replaces proline 185 with serine.
Molecular consequence: missense variant.
Genome position (GRCh38, 1-based): chr3:128,486,045, G>A on the plus strand (C>T on the coding strand, the complement: GATA2 is on the minus strand). VCF-style: chr3-128486045-G-A. GRCh37 (hg19) VCF-style: chr3-128204888-G-A.
Other names: c.553C>T, p.Pro185Ser (NM_001145661.2, NM_001145662.1); short protein forms P185S.
Identifiers: ClinVar variation 998264 (VCV000998264.3), dbSNP rs1373180685, ClinGen allele CA354406530.

ClinVar aggregate classification (germline): Uncertain significance. Review status: criteria provided, multiple submitters, no conflicts (2 of 4 stars). 3 submissions from 3 submitters: Uncertain significance (3). Last evaluated 2025-01-19.

Conditions:
Inborn genetic diseases. Identifiers: MedGen C0950123, MeSH D030342.
Acute myeloid leukemia (AML). Also called: Acute myeloid leukemia, adult; AML adult; Acute non-lymphocytic leukemia; Acute granulocytic leukemia; Leukemia, acute myelogenous, somatic; Leukemia, acute myeloid, somatic. Identifiers: Orphanet 519, MedGen C0023467, MeSH D015470, MONDO:0018874, OMIM 601626, HP:0004808. Disease mechanism: Constitutively activated FLT3.
GATA2 deficiency with susceptibility to MDS/AML. Identifiers: MedGen CN300066, MONDO:0042982.

gnomAD v4.1: 2 of 1,614,150 alleles (0.00012%); highest among the groups gnomAD compares: Non-Finnish European, 0.00017%; no homozygotes.

Submissions (3):

Ambry Genetics
Classification: Uncertain significance for Inborn genetic diseases. Last evaluated: 2025-01-19. Review status: criteria provided, single submitter. Criteria: Ambry Variant Classification Scheme 2023. Collection method: clinical testing. Allele origin: germline.
Comment: The p.P185S variant (also known as c.553C>T), located in coding exon 2 of the GATA2 gene, results from a C to T substitution at nucleotide position 553. The proline at codon 185 is replaced by serine, an amino acid with similar properties. This amino acid position is conserved. In addition, the in silico prediction for this alteration is inconclusive. Based on the available evidence, the clinical significance of this variant remains unclear.

St. Jude Molecular Pathology, St. Jude Children's Research Hospital
Classification: Uncertain significance for GATA2 deficiency with susceptibility to MDS/AML. Last evaluated: 2024-11-08. Review status: criteria provided, single submitter. Criteria: St. Jude Assertion Criteria 2020. Collection method: clinical testing. Allele origin: germline.
Comment: The GATA2 c.553C>T (p.Pro185Ser) missense change is absent in gnomAD v2.1.1. The in silico tool REVEL is inconclusive about a pathogenic or benign effect of this variant on protein function, and to our knowledge functional studies have not been performed. To our knowledge, this variant has not been reported in individuals presenting with GATA2-associated clinical phenotypes. In summary, the evidence currently available is insufficient to determine the clinical significance of this variant. It has therefore been classified as of uncertain significance.

Baylor Genetics
Classification: Uncertain significance for Acute myeloid leukemia. Last evaluated: 2020-08-27. Review status: criteria provided, single submitter. Criteria: ACMG Guidelines, 2015. Collection method: clinical testing. Allele origin: maternal. Affected: yes. Study: CSER-TexasKidsCanSeq.
Comment: This variant was determined to be of uncertain significance according to ACMG Guidelines, 2015 [PMID:25741868].